The following is an entry in ClinVar:

ClinVar aggregate classification (germline): Likely benign. Review status: criteria provided, multiple submitters, no conflicts (2 of 4 stars). 2 submissions from 2 submitters: Likely benign (2). Last evaluated 2025-06-01.

Submissions (2):

CeGaT Center for Human Genetics Tuebingen
Classification: Likely benign. Last evaluated: 2025-06-01. Review status: criteria provided, single submitter. Criteria: CeGaT Center For Human Genetics Tuebingen Variant Classification Criteria Version 2. Collection method: clinical testing. Allele origin: germline. Affected: yes. Observed: 1 variant allele.
Comment: DSPP: BP4, BP7

Blueprint Genetics
Classification: Likely benign. Last evaluated: 2024-02-13. Review status: criteria provided, single submitter. Criteria: ACMG Guidelines, 2015. Collection method: clinical testing. Allele origin: germline.

NM_014208.3(DSPP):c.3213C>T (p.Asp1071=)

Genes: DMP1-AS1 (DMP1 and DSPP antisense RNA 1; minus strand), DSPP (dentin sialophosphoprotein; plus strand). Cytogenetic location: 4q22.1.
Variant type: single nucleotide variant.
Coding change: c.3213C>T on transcript NM_014208.3 (MANE Select); coding-DNA position 3213, C replaced by T.
Protein change: p.Asp1071=; no amino-acid change (aspartic acid 1071 retained).
Molecular consequence: synonymous variant.
Genome position (GRCh38, 1-based): chr4:87,615,875, C>T. VCF-style: chr4-87615875-C-T. GRCh37 (hg19) VCF-style: chr4-88537027-C-T.
Identifiers: ClinVar variation 4083728 (VCV004083728.9).